The following is an entry in ClinVar:

NM_001378778.1(MPDZ):c.2753C>T (p.Ser918Leu)

Gene: MPDZ (multiple PDZ domain crumbs cell polarity complex component; minus strand). Cytogenetic location: 9p23.
Variant type: single nucleotide variant.
Coding change: c.2753C>T on transcript NM_001378778.1 (MANE Select); coding-DNA position 2753, C replaced by T.
Protein change: p.Ser918Leu; replaces serine 918 with leucine.
Molecular consequence: missense variant.
Genome position (GRCh38, 1-based): chr9:13,176,314, G>A on the plus strand (C>T on the coding strand, the complement: MPDZ is on the minus strand). VCF-style: chr9-13176314-G-A. GRCh37 (hg19) VCF-style: chr9-13176313-G-A.
Other names: c.2753C>T, p.Ser918Leu (NM_001261406.2, NM_001261407.2, NM_001330637.2 and 14 more transcripts); c.2753C>T (NM_003829.3); short protein forms S918L.
Identifiers: ClinVar variation 1442603 (VCV001442603.5), dbSNP rs374745707, ClinGen allele CA4987369.

ClinVar aggregate classification (germline): Conflicting classifications of pathogenicity. Review status: criteria provided, conflicting classifications (1 of 4 stars). 2 submissions from 2 submitters: Uncertain significance (1); Likely benign (1). Last evaluated 2024-01-29.

Conditions:
Inborn genetic diseases. Identifiers: MedGen C0950123, MeSH D030342.

Allele frequency attached by ClinVar (database versions not stated): gnomAD 0.00003 and 0.00004; gnomAD exomes 0.00003 and 0.00007; TOPMed 0.00006; ExAC 0.00007; ESP Exome Variant Server 0.00008.
gnomAD v4.1: 48 of 1,609,308 alleles (0.003%); highest among the groups gnomAD compares: Admixed American, 0.02%; no homozygotes.

Submissions (2):

Labcorp Genetics (formerly Invitae), Labcorp
Classification: Uncertain significance. Last evaluated: 2024-01-29. Review status: criteria provided, single submitter. Criteria: Invitae Variant Classification Sherloc (09022015). Collection method: clinical testing. Allele origin: germline.
Comment: This sequence change replaces serine, which is neutral and polar, with leucine, which is neutral and non-polar, at codon 918 of the MPDZ protein (p.Ser918Leu). This variant is present in population databases (rs374745707, gnomAD 0.02%). This variant has not been reported in the literature in individuals affected with MPDZ-related conditions. ClinVar contains an entry for this variant (Variation ID: 1442603). Algorithms developed to predict the effect of missense changes on protein structure and function output the following: SIFT: "Not Available"; PolyPhen-2: "Benign"; Align-GVGD: "Not Available". The leucine amino acid residue is found in multiple mammalian species, which suggests that this missense change does not adversely affect protein function. In summary, the available evidence is currently insufficient to determine the role of this variant in disease. Therefore, it has been classified as a Variant of Uncertain Significance.

Ambry Genetics
Classification: Likely benign for Inborn genetic diseases. Last evaluated: 2022-05-11. Review status: criteria provided, single submitter. Criteria: Ambry Variant Classification Scheme 2023. Collection method: clinical testing. Allele origin: germline.